The following is an entry in ClinVar:

ClinVar aggregate classification (germline): Pathogenic/Likely pathogenic. Review status: criteria provided, multiple submitters, no conflicts (2 of 4 stars). 13 submissions from 13 submitters: Pathogenic (7); Likely pathogenic (1). 5 of the submissions do not count toward it. Last evaluated 2026-06-01.

Conditions:
Dominant beta-thalassemia. Also called: Beta-thalassemia, dominant inclusion body type. Identifiers: Orphanet 231226, Orphanet 848, MedGen C1858990, MONDO:0011381, OMIM 603902.
beta Thalassemia (BTHAL). Also called: Cooley's anemia; Erythroblastic anemia; Mediterranean anemia. Identifiers: Orphanet 848, MedGen C0005283, MONDO:0019402. Disease mechanism: loss of function.
alpha Thalassemia. Also called: Alpha thalassemia spectrum. Identifiers: Orphanet 846, MedGen C0002312, MONDO:0011399, OMIM 604131.
Hb SS disease (SCD). Also called: Sickle cell anemia; Sickle cell disease; HbS disease; Hemoglobin S Disease; Sickling disorder due to hemoglobin S; Hemoglobin SS. Identifiers: Orphanet 232, Orphanet 275752, MedGen C0002895, MONDO:0011382, OMIM 603903.
Heinz body anemia. Also called: Heinz body hemolytic anemia. Identifiers: Orphanet 178330, MedGen C0700299, MONDO:0007705, OMIM 140700, HP:0005511.
Erythrocytosis, familial, 6. Also called: ERYTHROCYTOSIS, BETA-GLOBIN TYPE; POLYCYTHEMIA, BETA-GLOBIN TYPE. Identifiers: MedGen C4693822, MONDO:0054801, OMIM 617980.
METHEMOGLOBINEMIA, BETA TYPE. Also called: Methemoglobinemia, beta-globin type. Identifiers: MedGen C1840779, OMIM 617971.
Malaria, susceptibility to. Identifiers: Orphanet 673, MedGen C1970028, MONDO:0021024, OMIM 611162.
Fetal hemoglobin quantitative trait locus 1 (HBFQTL1). Identifiers: Orphanet 251380, MedGen C1841621.
Hemoglobinopathy. Also called: Haemoglobinopathies; Hemoglobin disorder. Identifiers: MedGen C0019045, MONDO:0044348.
BETA-PLUS-THALASSEMIA. Identifiers: MedGen C3841475.
Beta-thalassemia HBB/LCRB. Identifiers: MedGen CN322236, MONDO:0013517, OMIM 613985.

Submissions (13):

CeGaT Center for Human Genetics Tuebingen
Classification: Pathogenic. Last evaluated: 2026-06-01. Review status: criteria provided, single submitter. Criteria: CeGaT Center For Human Genetics Tuebingen Variant Classification Criteria Version 2. Collection method: clinical testing. Allele origin: germline. Affected: yes. Observed: 2 variant alleles.
Comment: HBB: PM3:Very Strong, PM1, PM2

Natera, Inc.
Classification: Pathogenic for Beta thalassemia. Last evaluated: 2025-05-19. Review status: criteria provided, single submitter. Criteria: Natera Variant Classification Schema (03/2026). Collection method: clinical testing. Allele origin: germline.
Comment: The c.-138C>A variant in HBB is a 5' untranslated region (UTR) variant located upstream of the translation start codon. This variant is rare in the general population with a frequency below the threshold expected for the associated phenotype(s). This variant has been observed in one or more individuals affected with the associated recessive disease, as either homozygous or compound heterozygous with a second variant (PMID: 23321370, 15767753, 26076396). Computational prediction algorithms indicate this variant is likely to affect gene or protein function. Given the available evidence, this variant is classified as Pathogenic.

Labcorp Genetics (formerly Invitae), Labcorp
Classification: Pathogenic. Last evaluated: 2023-10-13. Review status: criteria provided, single submitter. Criteria: Invitae Variant Classification Sherloc (09022015). Collection method: clinical testing. Allele origin: germline.
Comment: This variant occurs in a non-coding region of the HBB gene. It does not change the encoded amino acid sequence of the HBB protein. This variant is not present in population databases (gnomAD no frequency). This variant has been observed in individuals with β-thalassemia intermedia (PMID: 9163586, 21232998, 22180324, 25408857, 26076396). It has also been observed to segregate with disease in related individuals. This variant is also known as -88C>A in literature. ClinVar contains an entry for this variant (Variation ID: 393701). For these reasons, this variant has been classified as Pathogenic.

Laboratory for Molecular Medicine, Mass General Brigham Personalized Medicine
Classification: Pathogenic for beta Thalassemia. Last evaluated: 2022-11-03. Review status: criteria provided, single submitter. Criteria: ACMG Guidelines, 2015. Collection method: clinical testing. Allele origin: germline.
Comment: The c.-138C>A variant in HBB (also known as -88C>A) has been reported in the homozygous and compound heterozygous state in numerous individuals with Beta Thalassemia (selected publications: Rund 1991 PMID: 1986379, Atroshi 2021 PMID: 34794358, Hassan 2014 PMID: 24880717, Turner 2016 PMID: 27756326, Ozkinay 2015 PMID: 26076395, El-Shanshory 2014 PMID: 25408857, Baysal 2011 PMID: 22074124, Sirdah 2013 PMID: 23321370, Vetter 1997 PMID: 9163586). It has been reported in ClinVar (Variation ID 393701) but was absent from large population databases. This variant lies in a known transcription binding site (CACCC box) where other clinically significant HBB variants (such as c.-140C>T, c.-138C>T, c.-137C>G and c.-137C>T) have been identified. In summary, this variant meets criteria to be classified as pathogenic for autosomal recessive beta thalassemia. ACMG/AMP Criteria applied: PM2_Supporting, PS4, PM1.

Quest Diagnostics Nichols Institute San Juan Capistrano
Classification: Pathogenic. Last evaluated: 2021-12-07. Review status: criteria provided, single submitter. Criteria: Quest Diagnostics criteria. Collection method: clinical testing. Allele origin: unknown.
Comment: The HBB c.-138C>A variant (also known as -88C>A) not been reported in large, multi-ethnic general populations. This variant reduces the binding of transcription factors and causes decreased transcription of the beta-globin gene. In the published literature, the variant has been reported in individuals with beta(+)-thalassemia (PMIDs: 26948378 (2017), 26076395 (2015), 23321370 (2013), 20437613 (2010), 1986379 (1991)).

Revvity Omics, Revvity
Classification: Pathogenic. Last evaluated: 2020-01-23. Review status: criteria provided, single submitter. Criteria: ACMG Guidelines, 2015. Collection method: clinical testing. Allele origin: germline.

Women's Health and Genetics/Laboratory Corporation of America, LabCorp
Classification: Pathogenic for Hemoglobinopathy. Last evaluated: 2018-11-01. Review status: criteria provided, single submitter. Criteria: LabCorp Variant Classification Summary - May 2015. Collection method: clinical testing. Allele origin: germline.
Comment: Variant summary: HBB c.-138C>A is located in the untranscribed region upstream of the HBB gene region. 5/5 computational tools predict no significant impact on normal splicing. However, these predictions have yet to be confirmed by functional studies. This variant lies in a known transcription binding site (CACCC box) where other HBB variants (such as c.-140C>T, c.-138C>T, c.-137C>G and c.-137C>T) are known to be pathogenic for BTHAL ITMD. The variant was absent in 30972 control chromosomes (gnomAD). The variant, c.-138C>A, has been reported in the literature in multiple individuals affected with Beta Thalassemia (Rund_1991, El-Shanshory_2014, Baysal_2011, Sirdah_2013). These data indicate that the variant is very likely to be associated with disease. To our knowledge, no experimental evidence demonstrating an impact on protein function has been reported. Two clinical diagnostic laboratories have submitted clinical-significance assessments for this variant to ClinVar after 2014 without evidence for independent evaluation and classified the variant as pathogenic. Based on the evidence outlined above, the variant was classified as pathogenic.

Fulgent Genetics
Classification: Likely pathogenic for Heinz body anemia; Hereditary persistence of fetal hemoglobin; Dominant beta-thalassemia; Hb SS disease; alpha Thalassemia; Malaria, susceptibility to; Beta-thalassemia HBB/LCRB; METHEMOGLOBINEMIA, BETA TYPE; Erythrocytosis, familial, 6. Last evaluated: 2018-10-31. Review status: criteria provided, single submitter. Criteria: ACMG Guidelines, 2015. Collection method: clinical testing. Allele origin: unknown.

The ITHANET community portal, The Cyprus Institute of Neurology and Genetics
Classification: Pathogenic for beta Thalassemia. Last evaluated: 2019-11-25. Review status: no assertion criteria provided. Collection method: curation. Allele origin: germline. Not counted in ClinVar's aggregate classification.

Counsyl
Classification: Pathogenic for Beta-thalassemia HBB/LCRB. Last evaluated: 2018-03-27. Review status: no assertion criteria provided. Collection method: clinical testing. Allele origin: unknown. Not counted in ClinVar's aggregate classification.

OMIM
Classification: Pathogenic for BETA-PLUS-THALASSEMIA. Last evaluated: 1991-01-01. Review status: no assertion criteria provided. Collection method: literature only. Allele origin: germline. Not counted in ClinVar's aggregate classification.

GeneReviews
No classification provided. Condition: beta Thalassemia. Review status: no classification provided. Collection method: literature only. Allele origin: germline. Not counted in ClinVar's aggregate classification.

Genomic Medicine Center of Excellence, King Faisal Specialist Hospital and Research Centre
Classification: Uncertain significance. Last evaluated: 2024-01-18. Review status: flagged submission. Criteria: ACMG Guidelines, 2015. Collection method: research. Allele origin: germline. Not counted in ClinVar's aggregate classification.
ClinVar note: Reason: Outlier claim with insufficient supporting evidence

Literature cited by the submitters: PubMed 23321370 (cited by 4 submitters); PubMed 15767753 (cited by Natera, Inc.); PubMed 26076396 (cited by 3 submitters); PubMed 9163586 (cited by Labcorp Genetics (formerly Invitae), Labcorp and Counsyl); PubMed 21232998 (cited by Labcorp Genetics (formerly Invitae), Labcorp and Counsyl); PubMed 22180324 (cited by Labcorp Genetics (formerly Invitae), Labcorp and Counsyl); PubMed 25408857 (cited by 3 submitters); PubMed 20301599 (cited by Quest Diagnostics Nichols Institute San Juan Capistrano); PubMed 26948378 (cited by Quest Diagnostics Nichols Institute San Juan Capistrano and Counsyl); PubMed 24265529 (cited by Quest Diagnostics Nichols Institute San Juan Capistrano and Counsyl); PubMed 20437613 (cited by Quest Diagnostics Nichols Institute San Juan Capistrano and Women's Health and Genetics/Laboratory Corporation of America, LabCorp); PubMed 1986379 (cited by 5 submitters); PubMed 24880717 (cited by Quest Diagnostics Nichols Institute San Juan Capistrano); PubMed 27756326 (cited by Quest Diagnostics Nichols Institute San Juan Capistrano and Counsyl); PubMed 26076395 (cited by Quest Diagnostics Nichols Institute San Juan Capistrano and Counsyl); PubMed 22074124 (cited by Women's Health and Genetics/Laboratory Corporation of America, LabCorp and Counsyl); PubMed 12368169 (cited by Women's Health and Genetics/Laboratory Corporation of America, LabCorp); PubMed 18654889 (cited by Counsyl); Rund, D., Filon, D., Rachmilewitz, E. A., Cohen, T., Dowling, C., Kazazian, H. H., Oppenheim, A. Molecular analysis of beta-thalassemia in Kurdish Jews: novel mutations and expression studies. (Abstract) Blood 74 (suppl. 1): 220a, 1989. (cited by OMIM); NCBI Bookshelf NBK1426 (cited by GeneReviews).

NM_000518.5(HBB):c.-138C>A

Genes: HBB (hemoglobin subunit beta; minus strand), LOC106099062 (HBB recombination region; plus strand), LOC107133510 (origin of replication at HBB; plus strand). Cytogenetic location: 11p15.4.
Variant type: single nucleotide variant.
Coding change: c.-138C>A on transcript NM_000518.5 (MANE Select); 138 bases upstream of the start codon, C replaced by A.
Genome position (GRCh38, 1-based): chr11:5,227,159, G>T on the plus strand (C>A on the coding strand, the complement: HBB is on the minus strand). VCF-style: chr11-5227159-G-T. GRCh37 (hg19) VCF-style: chr11-5248389-G-T.
Other names: -88C>A; -88 (C>A); -88C-A.
Identifiers: ClinVar variation 393701 (VCV000393701.30), dbSNP rs33944208, ClinGen allele CA16609387.